The following is an entry in ClinVar:

NM_007194.4(CHEK2):c.937del (p.Val313fs)

Gene: CHEK2 (checkpoint kinase 2; minus strand). Cytogenetic location: 22q12.1.
Variant type: Deletion.
Coding change: c.937del on transcript NM_007194.4 (MANE Select); coding-DNA position 937, one base deleted (G; older notation c.937delG).
Protein change: p.Val313fs; shifts the reading frame from valine 313.
Molecular consequence: frameshift variant.
Genome position (GRCh38, 1-based): chr22:28,699,909, C deleted on the plus strand (G on the coding strand, the reverse complement: CHEK2 is on the minus strand). VCF-style (leftmost placement, unchanged base first): chr22-28699908-AC-A. GRCh37 (hg19) VCF-style: chr22-29095896-AC-A.
Other names: c.1066del, p.Val356fs (NM_001005735.3, NM_001438294.1); c.274del, p.Val92fs (NM_001257387.3, NM_001437942.1); c.736del, p.Val246fs (NM_001349956.3); c.1030del, p.Val344fs (NM_001438293.1, NM_001438295.1); c.937del, p.Val313fs (NM_145862.3); short protein forms V246fs, V313fs, V92fs, V344fs, V356fs.
Identifiers: ClinVar variation 4735448 (VCV004735448.1).

ClinVar aggregate classification (germline): Pathogenic (1 of 4 stars; one submission).

Conditions:
Familial cancer of breast. Also called: hereditary breast carcinoma; BREAST CANCER, FAMILIAL; Hereditary breast cancer. Identifiers: Orphanet 227535, MedGen C0346153, MONDO:0016419, OMIM 114480. Disease mechanism: loss of function.

Submission:

Labcorp Genetics (formerly Invitae), Labcorp
Classification: Pathogenic for Familial cancer of breast. Last evaluated: 2026-01-17. Review status: criteria provided, single submitter. Criteria: Invitae Variant Classification Sherloc (09022015). Collection method: clinical testing. Allele origin: germline.
Comment: This sequence change creates a premature translational stop signal (p.Val313Trpfs*7) in the CHEK2 gene. It is expected to result in an absent or disrupted protein product. Loss-of-function variants in CHEK2 are known to be pathogenic (PMID: 21876083, 24713400). This variant is not present in population databases (gnomAD no frequency). This variant has not been reported in the literature in individuals affected with CHEK2-related conditions. For these reasons, this variant has been classified as Pathogenic.

Literature cited by the submitters: PubMed 21876083; PubMed 24713400.